The following is an entry in ClinVar:

NM_130839.5(UBE3A):c.317C>G (p.Ser106Cys)

Genes: SNHG14 (small nucleolar RNA host gene 14; plus strand), UBE3A (ubiquitin protein ligase E3A; minus strand). Cytogenetic location: 15q11.2.
Variant type: single nucleotide variant.
Coding change: c.317C>G on transcript NM_130839.5 (MANE Select); coding-DNA position 317, C replaced by G.
Protein change: p.Ser106Cys; replaces serine 106 with cysteine.
Molecular consequence: missense variant. On other transcripts: non-coding transcript variant (1).
Genome position (GRCh38, 1-based): chr15:25,375,509, G>C on the plus strand (C>G on the coding strand, the complement: UBE3A is on the minus strand). VCF-style: chr15-25375509-G-C. GRCh37 (hg19) VCF-style: chr15-25620656-G-C.
Other names: c.326C>G, p.Ser109Cys (NM_000462.5); c.317C>G, p.Ser106Cys (NM_001354505.1, NM_001354538.2, NM_001354545.2 and 1 more transcripts); c.257C>G, p.Ser86Cys (NM_001354506.2, NM_001354507.2, NM_001354508.2 and 18 more transcripts); c.140C>G, p.Ser47Cys (NM_001354546.2); short protein forms S106C, S109C, S47C, S86C.
Identifiers: ClinVar variation 4874412 (VCV004874412.2).

ClinVar aggregate classification (germline): Uncertain significance (1 of 4 stars; one submission).

Submission:

CeGaT Center for Human Genetics Tuebingen
Classification: Uncertain significance. Last evaluated: 2026-05-01. Review status: criteria provided, single submitter. Criteria: CeGaT Center For Human Genetics Tuebingen Variant Classification Criteria Version 2. Collection method: clinical testing. Allele origin: germline. Affected: yes. Observed: 1 variant allele.
Comment: UBE3A: PM2, BP4